The following is an entry in ClinVar:

NM_000263.4(NAGLU):c.56G>A (p.Gly19Glu)

Genes: NAGLU (N-acetyl-alpha-glucosaminidase; plus strand), LOC130060903 (ATAC-STARR-seq lymphoblastoid silent region 8533; plus strand). Cytogenetic location: 17q21.2.
Variant type: single nucleotide variant.
Coding change: c.56G>A on transcript NM_000263.4 (MANE Select); coding-DNA position 56, G replaced by A.
Protein change: p.Gly19Glu; replaces glycine 19 with glutamic acid.
Molecular consequence: missense variant.
Genome position (GRCh38, 1-based): chr17:42,536,328, G>A. VCF-style: chr17-42536328-G-A. GRCh37 (hg19) VCF-style: chr17-40688346-G-A.
Other names: short protein forms G19E.
Identifiers: ClinVar variation 2125049 (VCV002125049.1), dbSNP rs2510649717, ClinGen allele CA399595106.
Genomic context (GRCh38, chr17:42,536,328, plus strand): 5'-AGACCATGGAGGCGGTGGCGGTGGCCGCGGCGGTGGGGGTCCTTCTCCTGGCCGGGGCCG[G>A]GGGCGCGGCAGGCGACGAGGCCCGGGAGGCGGCGGCCGTGCGGGCGCTCGTGGCCCGGCT-3'
Protein context (NP_000254.2, residues 9-29): AVGVLLLAGA[Gly19Glu]GAAGDEAREA

ClinVar aggregate classification (germline): Uncertain significance (1 of 4 stars; one submission).

Conditions:
Charcot-Marie-Tooth disease axonal type 2V. Also called: CHARCOT-MARIE-TOOTH NEUROPATHY, TYPE 2V; CHARCOT-MARIE-TOOTH DISEASE, AXONAL, AUTOSOMAL DOMINANT, TYPE 2V. Identifiers: Orphanet 447964, MedGen C5569050, MONDO:0014665, OMIM 616491.
Mucopolysaccharidosis, MPS-III-B (MPS3B). Also called: N-ACETYL-ALPHA-D-GLUCOSAMINIDASE DEFICIENCY; NAGLU DEFICIENCY; SANFILIPPO SYNDROME B; MPS III B; MUCOPOLYSACCHARIDOSIS, TYPE IIIB; MPS IIIB (Sanfilippo Syndrome Type B). Identifiers: Orphanet 79270, MedGen C0086648, MONDO:0009656, OMIM 252920.

Submission:

Labcorp Genetics (formerly Invitae), Labcorp
Classification: Uncertain significance for Charcot-Marie-Tooth disease axonal type 2V; Mucopolysaccharidosis, MPS-III-B. Last evaluated: 2022-07-14. Review status: criteria provided, single submitter. Criteria: Invitae Variant Classification Sherloc (09022015). Collection method: clinical testing. Allele origin: germline.
Comment: This sequence change replaces glycine, which is neutral and non-polar, with glutamic acid, which is acidic and polar, at codon 19 of the NAGLU protein (p.Gly19Glu). This variant is not present in population databases (gnomAD no frequency). This variant has not been reported in the literature in individuals affected with NAGLU-related conditions. Advanced modeling of protein sequence and biophysical properties (such as structural, functional, and spatial information, amino acid conservation, physicochemical variation, residue mobility, and thermodynamic stability) performed at Invitae indicates that this missense variant is not expected to disrupt NAGLU protein function. In summary, the available evidence is currently insufficient to determine the role of this variant in disease. Therefore, it has been classified as a Variant of Uncertain Significance.